The following is an entry in ClinVar:

NM_015311.3(OBSL1):c.740C>G (p.Pro247Arg)

Gene: OBSL1 (obscurin like cytoskeletal adaptor 1; minus strand). Cytogenetic location: 2q35.
Variant type: single nucleotide variant.
Coding change: c.740C>G on transcript NM_015311.3 (MANE Select); coding-DNA position 740, C replaced by G.
Protein change: p.Pro247Arg; replaces proline 247 with arginine.
Molecular consequence: missense variant.
Genome position (GRCh38, 1-based): chr2:219,570,493, G>C on the plus strand (C>G on the coding strand, the complement: OBSL1 is on the minus strand). VCF-style: chr2-219570493-G-C. GRCh37 (hg19) VCF-style: chr2-220435215-G-C.
Other names: c.740C>G, p.Pro247Arg (NM_001173408.2, NM_001173431.2); short protein forms P247R.
Identifiers: ClinVar variation 1356030 (VCV001356030.8), dbSNP rs992455888, ClinGen allele CA66038871.
Genomic context (GRCh38, chr2:219,570,493, plus strand): 5'-CAGCGGAACTTGGCGTGCTTGCCCTCGTTCACCCAGAAGGTCTTAGGCGCGCACTTGAGC[G>C]GCTCCACCACCGGCGCGGGGGCCTCGTCGGGGTCCGCGGGCGGGCTCTCGGGGGGCTGGT-3'
Protein context (NP_056126.1, residues 237-257): PDEAPAPVVE[Pro247Arg]LKCAPKTFWV

ClinVar aggregate classification (germline): Uncertain significance (1 of 4 stars; one submission).

Allele frequency attached by ClinVar (database versions not stated): gnomAD 0.00001; TOPMed 0.00002.
gnomAD v4.1: 35 of 1,612,136 alleles (0.0022%); highest among the groups gnomAD compares: Non-Finnish European, 0.0029%; no homozygotes.

Submission:

Labcorp Genetics (formerly Invitae), Labcorp
Classification: Uncertain significance. Last evaluated: 2021-09-09. Review status: criteria provided, single submitter. Criteria: Invitae Variant Classification Sherloc (09022015). Collection method: clinical testing. Allele origin: germline.
Comment: In summary, the available evidence is currently insufficient to determine the role of this variant in disease. Therefore, it has been classified as a Variant of Uncertain Significance. Algorithms developed to predict the effect of missense changes on protein structure and function are either unavailable or do not agree on the potential impact of this missense change (SIFT: "Tolerated"; PolyPhen-2: "Possibly Damaging"; Align-GVGD: "Class C0"). This variant has not been reported in the literature in individuals affected with OBSL1-related conditions. This variant is not present in population databases (ExAC no frequency). This sequence change replaces proline with arginine at codon 247 of the OBSL1 protein (p.Pro247Arg). The proline residue is moderately conserved and there is a moderate physicochemical difference between proline and arginine.